The following is an entry in ClinVar:

NM_001378183.1(PIEZO2):c.7483C>T (p.Arg2495Trp)

Gene: PIEZO2 (piezo type mechanosensitive ion channel component 2; minus strand). Cytogenetic location: 18p11.22.
Variant type: single nucleotide variant.
Coding change: c.7483C>T on transcript NM_001378183.1 (MANE Select); coding-DNA position 7483, C replaced by T.
Protein change: p.Arg2495Trp; replaces arginine 2495 with tryptophan.
Molecular consequence: missense variant.
Genome position (GRCh38, 1-based): chr18:10,689,669, G>A on the plus strand (C>T on the coding strand, the complement: PIEZO2 is on the minus strand). VCF-style: chr18-10689669-G-A. GRCh37 (hg19) VCF-style: chr18-10689667-G-A.
Other names: NC_000018.9:g.10689667G>A; c.7144C>T, p.Arg2382Trp (NM_022068.4); short protein forms R2382W, R2495W.
Identifiers: ClinVar variation 522872 (VCV000522872.7), dbSNP rs757200280, ClinGen allele CA8891965.

ClinVar aggregate classification (germline): Uncertain significance. Review status: criteria provided, multiple submitters, no conflicts (2 of 4 stars). 2 submissions from 2 submitters: Uncertain significance (2). Last evaluated 2026-01-06.

Conditions:
Arthrogryposis, distal, with impaired proprioception and touch (DAIPT). Identifiers: MedGen C4310692, MONDO:0014941, OMIM 617146.

Allele frequency attached by ClinVar (database versions not stated): gnomAD exomes 0.00001 and 0.00002; ExAC 0.00001; gnomAD 0.00002; TOPMed 0.00002.
gnomAD v4.1: 19 of 1,614,026 alleles (0.0012%); highest among the groups gnomAD compares: Middle Eastern, 0.033%; no homozygotes.

Submissions (3):

Dasa
Classification: Uncertain significance. Last evaluated: 2026-01-06. Review status: criteria provided, single submitter. Criteria: DASA Assertion Criteria. Collection method: clinical testing. Allele origin: germline.
Comment: NM_001378183.1(PIEZO2):c.7483C>T (p.Arg2495Trp) is a missense variant that results in the substitution of arginine with tryptophan. This variant is rare in population databases. Computational prediction algorithms are consistent with a deleterious effect. The currently available literature and clinical evidence are not sufficient to establish a definitive association between this variant and the reported condition. Therefore, this variant is classified as a variant of uncertain significance.

Genomic Research Center, Shahid Beheshti University of Medical Sciences
Classification: Uncertain significance for Arthrogryposis, distal, with impaired proprioception and touch. Last evaluated: 2020-05-03. Review status: criteria provided, single submitter. Criteria: ACMG Guidelines, 2015. Collection method: clinical testing. Allele origin: unknown. Affected: yes.

Dr. Peter K. Rogan Lab, Western University
No classification provided (evidence only). Condition: Thyroid cancer, nonmedullary, 1. Review status: no classification provided. Collection method: in vitro. Allele origin: not applicable. Functional consequence: retained intron. Not counted in ClinVar's aggregate classification.